The following is an entry in ClinVar:

NM_003002.4(SDHD):c.33C>T (p.Cys11=)

Genes: SDHD (succinate dehydrogenase complex subunit D; plus strand), LOC126861339 (BRD4-independent group 4 enhancer GRCh37_chr11:111957035-111958234; plus strand). Cytogenetic location: 11q23.1.
Variant type: single nucleotide variant.
Coding change: c.33C>T on transcript NM_003002.4 (MANE Select); coding-DNA position 33, C replaced by T.
Protein change: p.Cys11=; no amino-acid change (cysteine 11 retained).
Molecular consequence: synonymous variant. On other transcripts: non-coding transcript variant (1).
Genome position (GRCh38, 1-based): chr11:112,086,940, C>T. VCF-style: chr11-112086940-C-T. GRCh37 (hg19) VCF-style: chr11-111957664-C-T.
Other names: c.33C>T (NM_003002.2); c.33C>T, p.Cys11= (NM_001276503.2, NM_001276504.2, NM_001276506.2).
Identifiers: ClinVar variation 1631130 (VCV001631130.13), dbSNP rs104894309, ClinGen allele CA071262.
Genomic context (GRCh38, chr11:112,086,940, plus strand): 5'-TGGATGACCTTGAGCCCTCAGGAACGAGATGGCGGTTCTCTGGAGGCTGAGTGCCGTTTG[C>T]GGTGCCCTAGGAGGCCGAGGTGAGGGGTCTTCCCACCCTGAGGTGCTTAGCGTAGCCTCC-3'
Protein context (NP_002993.1, residues 1-21): MAVLWRLSAV[Cys11=]GALGGRALLL

ClinVar aggregate classification (germline): Benign/Likely benign. Review status: criteria provided, multiple submitters, no conflicts (2 of 4 stars). 5 submissions from 5 submitters: Benign (1); Likely benign (4). Last evaluated 2025-08-11.

Conditions:
Pheochromocytoma/paraganglioma syndrome 1. Also called: PARAGANGLIOMAS, FAMILIAL NONCHROMAFFIN, 1; PGL 1; Paragangliomas familial 1; PARAGANGLIOMATA; Paragangliomas 1; Glomus tumors familial 1. Identifiers: Orphanet 29072, MedGen C3494181, MONDO:0008192, OMIM 168000.
Hereditary cancer-predisposing syndrome. Also called: Neoplastic Syndromes, Hereditary; Tumor predisposition; Hereditary Cancer Syndrome; Hereditary neoplastic syndrome. Identifiers: Orphanet 140162, MedGen C0027672, MeSH D009386, MONDO:0015356.
Paragangliomas with sensorineural hearing loss. Identifiers: MedGen C1868633.
Pheochromocytoma. Also called: MAX-Related Hereditary Paraganglioma-Pheochromocytoma Syndrome. Identifiers: Orphanet 29072, MedGen C0031511, MONDO:0008233, OMIM 171300, HP:0002666.
Carney-Stratakis syndrome. Also called: PARAGANGLIOMA AND GASTROINTESTINAL STROMAL TUMOR. Identifiers: Orphanet 97286, MedGen C1847319, MONDO:0011740, OMIM 606864.
Cowden syndrome 3 (CWS3). Identifiers: Orphanet 201, MedGen CN166604, MONDO:0014045.
Hereditary pheochromocytoma and paraganglioma. Also called: Hereditary pheochromocytoma-paraganglioma; Hereditary paragangliomas and pheochromocytomas; Hereditary Paraganglioma-Pheochromocytoma Syndromes. Identifiers: Orphanet 29072, MedGen C4274332, MONDO:0017366.

Allele frequency attached by ClinVar (database versions not stated): gnomAD exomes below 0.00001; ExAC 0.00001; gnomAD 0.00001; TOPMed 0.00001.
gnomAD v4.1: 3 of 1,614,028 alleles (0.00019%); highest among the groups gnomAD compares: Admixed American, 0.0017%; no homozygotes.

Submissions (5):

Labcorp Genetics (formerly Invitae), Labcorp
Classification: Likely benign for Carney-Stratakis syndrome; Paragangliomas with sensorineural hearing loss; Pheochromocytoma; Cowden syndrome 3. Last evaluated: 2025-08-11. Review status: criteria provided, single submitter. Criteria: Invitae Variant Classification Sherloc (09022015). Collection method: clinical testing. Allele origin: germline.

Ambry Genetics
Classification: Likely benign for Hereditary cancer-predisposing syndrome. Last evaluated: 2025-03-22. Review status: criteria provided, single submitter. Criteria: Ambry Variant Classification Scheme 2023. Collection method: clinical testing. Allele origin: germline.

Myriad Genetics, Inc.
Classification: Benign for Pheochromocytoma/paraganglioma syndrome 1. Last evaluated: 2025-03-17. Review status: criteria provided, single submitter. Criteria: Myriad Autosomal Dominant, Autosomal Recessive and X-Linked Classification Criteria (2023). Collection method: clinical testing. Allele origin: unknown.
Comment: This variant is considered benign. This variant is a silent/synonymous amino acid change and it is not expected to impact splicing.

All of Us Research Program, National Institutes of Health
Classification: Likely benign for Hereditary pheochromocytoma and paraganglioma. Last evaluated: 2023-11-20. Review status: criteria provided, single submitter. Criteria: ACMG Guidelines, 2015. Collection method: clinical testing. Allele origin: germline. Inheritance: Autosomal dominant inheritance. Observed: 1 variant allele, 1 heterozygote.
Comment: This study involves interpretation of variants in research participants for the purpose of population health screening. Participant phenotype was not available at the time of variant classification. Additional details can be found in publication PMID: 35346344, PMCID: PMC8962531

Breakthrough Genomics
Classification: Likely benign. Review status: criteria provided, single submitter. Criteria: ACMG Guidelines, 2015. Collection method: not provided. Allele origin: germline. Inheritance: Autosomal recessive inheritance. Affected: yes.